The following is an entry in ClinVar:

ClinVar aggregate classification (germline): Uncertain significance (1 of 4 stars; one submission).

Allele frequency attached by ClinVar (database versions not stated): gnomAD 0.00001; gnomAD exomes 0.00001.
gnomAD v4.1: 12 of 1,613,196 alleles (0.00074%); highest among the groups gnomAD compares: Non-Finnish European, 0.001%; no homozygotes.

Submission:

Labcorp Genetics (formerly Invitae), Labcorp
Classification: Uncertain significance. Last evaluated: 2024-02-17. Review status: criteria provided, single submitter. Criteria: Invitae Variant Classification Sherloc (09022015). Collection method: clinical testing. Allele origin: germline.
Comment: This sequence change replaces serine, which is neutral and polar, with phenylalanine, which is neutral and non-polar, at codon 48 of the FOXI1 protein (p.Ser48Phe). This variant is not present in population databases (gnomAD no frequency). This variant has not been reported in the literature in individuals affected with FOXI1-related conditions. ClinVar contains an entry for this variant (Variation ID: 1464208). Advanced modeling of protein sequence and biophysical properties (such as structural, functional, and spatial information, amino acid conservation, physicochemical variation, residue mobility, and thermodynamic stability) performed at Invitae indicates that this missense variant is expected to disrupt FOXI1 protein function with a positive predictive value of 80%. In summary, the available evidence is currently insufficient to determine the role of this variant in disease. Therefore, it has been classified as a Variant of Uncertain Significance.

NM_012188.5(FOXI1):c.143C>T (p.Ser48Phe)

Gene: FOXI1 (forkhead box I1; plus strand). Cytogenetic location: 5q35.1.
Variant type: single nucleotide variant.
Coding change: c.143C>T on transcript NM_012188.5 (MANE Select); coding-DNA position 143, C replaced by T.
Protein change: p.Ser48Phe; replaces serine 48 with phenylalanine.
Molecular consequence: missense variant.
Genome position (GRCh38, 1-based): chr5:170,106,100, C>T. VCF-style: chr5-170106100-C-T. GRCh37 (hg19) VCF-style: chr5-169533104-C-T.
Other names: c.143C>T, p.Ser48Phe (NM_144769.4); short protein forms S48F.
Identifiers: ClinVar variation 1464208 (VCV001464208.8), dbSNP rs1758470315, ClinGen allele CA362123977.
Genomic context (GRCh38, chr5:170,106,100, plus strand): 5'-TGAACCTCTACTATGAGAACTTCTTCCACCCACAGGGCGTGCCCAGCCCTCAGCGGCCCT[C>T]CTTCGAGGGGGGCGGCGAGTATGGGGCCACCCCCAACCCCTACCTCTGGTTCAACGGGCC-3'
Protein context (NP_036320.2, residues 38-58): PQGVPSPQRP[Ser48Phe]FEGGGEYGAT